The following is an entry in ClinVar:

NM_020975.6(RET):c.2297C>A (p.Pro766Gln)

Gene: RET (ret proto-oncogene; plus strand). Cytogenetic location: 10q11.21.
Variant type: single nucleotide variant.
Coding change: c.2297C>A on transcript NM_020975.6 (MANE Select); coding-DNA position 2297, C replaced by A.
Protein change: p.Pro766Gln; replaces proline 766 with glutamine.
Molecular consequence: missense variant.
Genome position (GRCh38, 1-based): chr10:43,118,385, C>A. VCF-style: chr10-43118385-C-A. GRCh37 (hg19) VCF-style: chr10-43613833-C-A.
Other names: c.2009C>A, p.Pro670Gln (NM_001406766.1, NM_001406767.1, NM_001406770.1); c.2033C>A, p.Pro678Gln (NM_001406768.1); c.1901C>A, p.Pro634Gln (NM_001406769.1, NM_001406772.1); c.1859C>A, p.Pro620Gln (NM_001406771.1, NM_001406773.1); c.1772C>A, p.Pro591Gln (NM_001406774.1); c.1571C>A, p.Pro524Gln (NM_001406775.1, NM_001406776.1, NM_001406777.1 and 1 more transcripts); c.1280C>A, p.Pro427Gln (NM_001406785.1); c.1271C>A, p.Pro424Gln (NM_001406786.1, NM_001406783.1); and 10 more; short protein forms P424Q, P436Q, P371Q, P467Q, P524Q, P634Q, P670Q, P723Q.
Identifiers: ClinVar variation 2082971 (VCV002082971.4), dbSNP rs1017108031, ClinGen allele CA376555563.

ClinVar aggregate classification (germline): Uncertain significance (1 of 4 stars; one submission).

Conditions:
Multiple endocrine neoplasia, type 2 (MEN2). Identifiers: Orphanet 653, MedGen C4048306, MONDO:0019003. Disease mechanism: gain of function.

Submission:

Labcorp Genetics (formerly Invitae), Labcorp
Classification: Uncertain significance for Multiple endocrine neoplasia, type 2. Last evaluated: 2022-01-14. Review status: criteria provided, single submitter. Criteria: Invitae Variant Classification Sherloc (09022015). Collection method: clinical testing. Allele origin: germline.
Comment: In summary, the available evidence is currently insufficient to determine the role of this variant in disease. Therefore, it has been classified as a Variant of Uncertain Significance. Algorithms developed to predict the effect of missense changes on protein structure and function output the following: SIFT: "Tolerated"; PolyPhen-2: "Benign"; Align-GVGD: "Class C0". The glutamine amino acid residue is found in multiple mammalian species, which suggests that this missense change does not adversely affect protein function. This variant has not been reported in the literature in individuals affected with RET-related conditions. This variant is not present in population databases (gnomAD no frequency). This sequence change replaces proline, which is neutral and non-polar, with glutamine, which is neutral and polar, at codon 766 of the RET protein (p.Pro766Gln).